The following is an entry in ClinVar:

ClinVar aggregate classification (germline): Likely benign (1 of 4 stars; one submission).

Submission:

CeGaT Center for Human Genetics Tuebingen
Classification: Likely benign. Last evaluated: 2022-07-01. Review status: criteria provided, single submitter. Criteria: CeGaT Center For Human Genetics Tuebingen Variant Classification Criteria Version 2. Collection method: clinical testing. Allele origin: germline. Affected: yes. Observed: 1 variant allele.
Comment: MUC12: PM2:Supporting, BP4, BP7

NM_001164462.2(MUC12):c.16005G>A (p.Val5335=)

Genes: MUC12 (mucin 12, cell surface associated; plus strand), LOC123956190 (Sharpr-MPRA regulatory region 8701; plus strand). Cytogenetic location: 7q22.1.
Variant type: single nucleotide variant.
Coding change: c.16005G>A on transcript NM_001164462.2 (MANE Select); coding-DNA position 16005, G replaced by A.
Protein change: p.Val5335=; no amino-acid change (valine 5335 retained).
Molecular consequence: synonymous variant.
Genome position (GRCh38, 1-based): chr7:101,018,633, G>A. VCF-style: chr7-101018633-G-A. GRCh37 (hg19) VCF-style: chr7-100661914-G-A.
Identifiers: ClinVar variation 2657832 (VCV002657832.24), dbSNP rs2485827978, ClinGen allele CA456776419.
Genomic context (GRCh38, chr7:101,018,633, plus strand): 5'-CCTCTTCTCTCCCGTCCCCCAGCTCCACATCCAGAGGCCGGAGATGGTAGCATCCACTGT[G>A]TGAGCCAACGGGGGCCTCCCACCCTCATCTAGCTCTGTTCAGGAGAGCTGCAAACACAGA-3'
Protein context (NP_001157934.1, residues 5325-5335): IQRPEMVAST[Val5335=]